The following is an entry in ClinVar:

NM_001190274.2(FBXO11):c.2555+4A>G

Genes: FBXO11 (F-box protein 11; minus strand), MSH6 (mutS homolog 6; plus strand). Cytogenetic location: 2p16.3.
Variant type: single nucleotide variant.
Coding change: c.2555+4A>G on transcript NM_001190274.2 (MANE Select); 4 bases into the intron after coding-DNA position 2555, A replaced by G.
Molecular consequence: intron variant.
Genome position (GRCh38, 1-based): chr2:47,809,154, T>C on the plus strand (A>G on the coding strand, the complement: FBXO11 is on the minus strand). VCF-style: chr2-47809154-T-C. GRCh37 (hg19) VCF-style: chr2-48036293-T-C.
Other names: c.2303+4A>G (NM_001374325.1, NM_025133.4).
Identifiers: ClinVar variation 1307252 (VCV001307252.2), dbSNP rs1363141549, ClinGen allele CA2573051984.
Genomic context (GRCh38, chr2:47,809,154, plus strand): 5'-ATTGCTAATTTAAAAAGGAAATCAGTCTTCCTCTTTTCAGGACTCAAATATATTTCTAAG[T>C]TACCTGTAGAAATCATGCATGGGATAGCTGGTATAACTTGATATTTTATATAAACATTGG-3'

ClinVar aggregate classification (germline): Uncertain significance (1 of 4 stars; one submission).

Submission:

GeneDx
Classification: Uncertain significance. Last evaluated: 2019-07-25. Review status: criteria provided, single submitter. Criteria: GeneDx Variant Classification Process June 2021. Collection method: clinical testing. Allele origin: germline. Affected: yes.
Comment: Not observed in large population cohorts (Lek et al., 2016); Has not been previously published as pathogenic or benign to our knowledge; In-silico analysis, which includes splice predictors and evolutionary conservation, is inconclusive as to whether the variant alters gene splicing. In the absence of RNA/functional studies, the actual effect of this sequence change is unknown